The following is an entry in ClinVar:

NM_025193.4(HSD3B7):c.1088C>A (p.Ala363Asp)

Gene: HSD3B7 (hydroxy-delta-5-steroid dehydrogenase, 3 beta- and steroid delta-isomerase 7; plus strand). Cytogenetic location: 16p11.2.
Variant type: single nucleotide variant.
Coding change: c.1088C>A on transcript NM_025193.4 (MANE Select); coding-DNA position 1088, C replaced by A.
Protein change: p.Ala363Asp; replaces alanine 363 with aspartic acid.
Molecular consequence: missense variant. On other transcripts: 3 prime UTR variant (2).
Genome position (GRCh38, 1-based): chr16:30,988,161, C>A. VCF-style: chr16-30988161-C-A. GRCh37 (hg19) VCF-style: chr16-30999482-C-A.
Other names: c.*334C>A (NM_001142777.2, NM_001142778.2); short protein forms A363D.
Identifiers: ClinVar variation 1445923 (VCV001445923.8), dbSNP rs761166824, ClinGen allele CA8018177.

ClinVar aggregate classification (germline): Uncertain significance (1 of 4 stars; one submission).

Allele frequency attached by ClinVar (database versions not stated): gnomAD 0.00001; TOPMed 0.00001; gnomAD exomes 0.00002; ExAC 0.00004.
gnomAD v4.1: 27 of 1,603,148 alleles (0.0017%); highest among the groups gnomAD compares: Non-Finnish European, 0.0023%; no homozygotes.

Submission:

Labcorp Genetics (formerly Invitae), Labcorp
Classification: Uncertain significance. Last evaluated: 2021-12-03. Review status: criteria provided, single submitter. Criteria: Invitae Variant Classification Sherloc (09022015). Collection method: clinical testing. Allele origin: germline.
Comment: This sequence change replaces alanine, which is neutral and non-polar, with aspartic acid, which is acidic and polar, at codon 363 of the HSD3B7 protein (p.Ala363Asp). In summary, the available evidence is currently insufficient to determine the role of this variant in disease. Therefore, it has been classified as a Variant of Uncertain Significance. Algorithms developed to predict the effect of missense changes on protein structure and function (SIFT, PolyPhen-2, Align-GVGD) all suggest that this variant is likely to be tolerated. This variant has not been reported in the literature in individuals affected with HSD3B7-related conditions. The frequency data for this variant in the population databases is considered unreliable, as metrics indicate poor data quality at this position in the gnomAD database.